The following is an entry in ClinVar:

NM_006206.6(PDGFRA):c.2291G>C (p.Arg764Pro)

Gene: PDGFRA (platelet derived growth factor receptor alpha; plus strand). Cytogenetic location: 4q12.
Variant type: single nucleotide variant.
Coding change: c.2291G>C on transcript NM_006206.6 (MANE Select); coding-DNA position 2291, G replaced by C.
Protein change: p.Arg764Pro; replaces arginine 764 with proline.
Molecular consequence: missense variant.
Genome position (GRCh38, 1-based): chr4:54,280,450, G>C. VCF-style: chr4-54280450-G-C. GRCh37 (hg19) VCF-style: chr4-55146617-G-C.
Other names: c.2291G>C, p.Arg764Pro (NM_001347827.2, NM_001347829.2); c.2366G>C, p.Arg789Pro (NM_001347828.2); c.2330G>C, p.Arg777Pro (NM_001347830.2); short protein forms R764P, R777P, R789P.
Identifiers: ClinVar variation 1789118 (VCV001789118.2), dbSNP rs141047712, ClinGen allele CA356894491.

ClinVar aggregate classification (germline): Uncertain significance (1 of 4 stars; one submission).

Conditions:
Hereditary cancer-predisposing syndrome. Also called: Hereditary Cancer Syndrome; Hereditary neoplastic syndrome; Tumor predisposition; Neoplastic Syndromes, Hereditary. Identifiers: Orphanet 140162, MedGen C0027672, MeSH D009386, MONDO:0015356.

Submission:

Ambry Genetics
Classification: Uncertain significance for Hereditary cancer-predisposing syndrome. Last evaluated: 2021-09-02. Review status: criteria provided, single submitter. Criteria: Ambry Variant Classification Scheme 2023. Collection method: clinical testing. Allele origin: germline.
Comment: The p.R764P variant (also known as c.2291G>C), located in coding exon 15 of the PDGFRA gene, results from a G to C substitution at nucleotide position 2291. The arginine at codon 764 is replaced by proline, an amino acid with dissimilar properties. This amino acid position is conserved. In addition, this alteration is predicted to be tolerated by in silico analysis. Since supporting evidence is limited at this time, the clinical significance of this alteration remains unclear.